The following is an entry in ClinVar:

ClinVar aggregate classification (germline): Conflicting classifications of pathogenicity. Review status: criteria provided, conflicting classifications (1 of 4 stars). 4 submissions from 4 submitters: Pathogenic (2); Likely pathogenic (1); Uncertain significance (1). Last evaluated 2026-02-09.

Conditions:
Osteogenesis imperfecta (OI). Identifiers: Orphanet 666, MedGen C0029434, MeSH D010013, MONDO:0019019.
Osteogenesis imperfecta type 11. Also called: OI, TYPE XI; Osteogenesis imperfecta, type XI. Identifiers: Orphanet 666, MedGen C3151218, MONDO:0012592, OMIM 610968.
Bruck syndrome 1 (BRKS1). Also called: ARTHROGRYPOSIS-LIKE DISORDER. Identifiers: Orphanet 1149, Orphanet 2771, MedGen C1850168, MONDO:0009806, OMIM 259450.

Allele frequency attached by ClinVar (database versions not stated): TOPMed below 0.00001; gnomAD exomes 0.00001 and 0.00002; ExAC 0.00003.
gnomAD v4.1: 18 of 1,612,414 alleles (0.0011%); highest among the groups gnomAD compares: South Asian, 0.0088%; no homozygotes.

Submissions (4):

Women's Health and Genetics/Laboratory Corporation of America, LabCorp
Classification: Pathogenic for Osteogenesis imperfecta. Last evaluated: 2026-02-09. Review status: criteria provided, single submitter. Criteria: LabCorp Variant Classification Summary - May 2015. Collection method: clinical testing. Allele origin: germline.
Comment: Variant summary: FKBP10 c.1016G>A (p.Arg339Gln) results in a conservative amino acid change in the encoded protein sequence. Algorithms developed to predict the effect of missense changes on protein structure and function are either unavailable or do not agree on the potential impact of this missense change. At least one publication reports experimental evidence that this variant affects mRNA splicing, reulsting in exon skipping and a premature stop codon (Li_2019). The variant allele was found at a frequency of 2.4e-05 in 247108 control chromosomes (gnomAD). c.1016G>A has been observed in individuals affected with Osteogenesis Imperfecta (e.g. Li_2019, Merkuryeva_2024). These data indicate that the variant is likely to be associated with disease. The following publications have been ascertained in the context of this evaluation (PMID: 30715774, 40282376, 38927610). ClinVar contains an entry for this variant (Variation ID: 323189). Based on the evidence outlined above, the variant was classified as pathogenic.

GeneDx
Classification: Likely pathogenic. Last evaluated: 2025-05-19. Review status: criteria provided, single submitter. Criteria: GeneDx Variant Classification Process June 2021. Collection method: clinical testing. Allele origin: germline. Affected: yes.
Comment: In silico analysis supports that this missense variant has a deleterious effect on protein structure/function; This variant is associated with the following publications: (PMID: 33093841, 30715774, 38927610)

Labcorp Genetics (formerly Invitae), Labcorp
Classification: Uncertain significance. Last evaluated: 2025-01-13. Review status: criteria provided, single submitter. Criteria: Invitae Variant Classification Sherloc (09022015). Collection method: clinical testing. Allele origin: germline.
Comment: This sequence change replaces arginine, which is basic and polar, with glutamine, which is neutral and polar, at codon 339 of the FKBP10 protein (p.Arg339Gln). This variant is present in population databases (rs782216438, gnomAD 0.007%). This missense change has been observed in individual(s) with osteogenesis imperfecta type 1 (PMID: 30715774). ClinVar contains an entry for this variant (Variation ID: 323189). Invitae Evidence Modeling of protein sequence and biophysical properties (such as structural, functional, and spatial information, amino acid conservation, physicochemical variation, residue mobility, and thermodynamic stability) has been performed for this missense variant. However, the output from this modeling did not meet the statistical confidence thresholds required to predict the impact of this variant on FKBP10 protein function. Studies have shown that this missense change alters mRNA splicing and is expected to lead to the loss of protein expression (PMID: 30715774). In summary, the available evidence is currently insufficient to determine the role of this variant in disease. Therefore, it has been classified as a Variant of Uncertain Significance.

Juno Genomics, Hangzhou Juno Genomics, Inc
Classification: Pathogenic for Bruck syndrome 1; Osteogenesis imperfecta type 11. Review status: criteria provided, single submitter. Criteria: ACMG Guidelines, 2015. Collection method: clinical testing. Allele origin: germline.
Comment: Absent from controls (or at extremely low frequency if recessive) in Genome Aggregation Database.;Multiple lines of computational evidence support a deleterious effect on the gene or gene product.;For recessive disorders, detected in trans with a pathogenic variant.;Patient's phenotype or family history is highly specific for a disease with a single genetic etiology.

Literature cited by the submitters: PubMed 30715774 (cited by Women's Health and Genetics/Laboratory Corporation of America, LabCorp and Labcorp Genetics (formerly Invitae), Labcorp); PubMed 38927610 (cited by Women's Health and Genetics/Laboratory Corporation of America, LabCorp); PubMed 40282376 (cited by Women's Health and Genetics/Laboratory Corporation of America, LabCorp).

NM_021939.4(FKBP10):c.1016G>A (p.Arg339Gln)

Gene: FKBP10 (FKBP prolyl isomerase 10; plus strand). Cytogenetic location: 17q21.2.
Variant type: single nucleotide variant.
Coding change: c.1016G>A on transcript NM_021939.4 (MANE Select); coding-DNA position 1016, G replaced by A.
Protein change: p.Arg339Gln; replaces arginine 339 with glutamine.
Molecular consequence: missense variant.
Genome position (GRCh38, 1-based): chr17:41,819,628, G>A. VCF-style: chr17-41819628-G-A. GRCh37 (hg19) VCF-style: chr17-39975880-G-A.
Other names: short protein forms R339Q.
Identifiers: ClinVar variation 323189 (VCV000323189.14), dbSNP rs782216438, ClinGen allele CA8566460.